The following is an entry in ClinVar:

NM_004838.4(HOMER3):c.772G>A (p.Glu258Lys)

Gene: HOMER3 (homer scaffold protein 3; minus strand). Cytogenetic location: 19p13.11.
Variant type: single nucleotide variant.
Coding change: c.772G>A on transcript NM_004838.4 (MANE Select); coding-DNA position 772, G replaced by A.
Protein change: p.Glu258Lys; replaces glutamic acid 258 with lysine.
Molecular consequence: missense variant. On other transcripts: non-coding transcript variant (1).
Genome position (GRCh38, 1-based): chr19:18,931,544, C>T on the plus strand (G>A on the coding strand, the complement: HOMER3 is on the minus strand). VCF-style: chr19-18931544-C-T. GRCh37 (hg19) VCF-style: chr19-19042353-C-T.
Other names: c.772G>A, p.Glu258Lys (NM_001145721.1, NM_001145722.2); c.664G>A, p.Glu222Lys (NM_001145724.2); short protein forms E258K, E222K.
Identifiers: ClinVar variation 4676585 (VCV004676585.1).

ClinVar aggregate classification (germline): Uncertain significance (1 of 4 stars; one submission).

gnomAD v4.1: 7 of 1,613,586 alleles (0.00043%); highest among the groups gnomAD compares: African/African-American, 0.0013%; no homozygotes.

Submission:

Ambry Genetics
Classification: Uncertain significance. Last evaluated: 2025-09-25. Review status: criteria provided, single submitter. Criteria: Ambry Variant Classification Scheme 2023. Collection method: clinical testing. Allele origin: germline.
Comment: The c.772G>A (p.E258K) alteration is located in exon 8 (coding exon 7) of the HOMER3 gene. This alteration results from a G to A substitution at nucleotide position 772, causing the glutamic acid (E) at amino acid position 258 to be replaced by a lysine (K). Based on data from gnomAD, the A allele has an overall frequency of 0.003% (1/31384) total alleles studied. The highest observed frequency was 0.007% (1/15422) of European (non-Finnish) alleles. Based on insufficient or conflicting evidence, the clinical significance of this alteration remains unclear.